The following is an entry in ClinVar:

NM_000132.4(F8):c.520A>G (p.Thr174Ala)

Gene: F8 (coagulation factor VIII; minus strand). Cytogenetic location: Xq28.
Variant type: single nucleotide variant.
Coding change: c.520A>G on transcript NM_000132.4 (MANE Select); coding-DNA position 520, A replaced by G.
Protein change: p.Thr174Ala; replaces threonine 174 with alanine.
Molecular consequence: missense variant.
Genome position (GRCh38, 1-based): chrX:154,993,017, T>C on the plus strand (A>G on the coding strand, the complement: F8 is on the minus strand). VCF-style: chrX-154993017-T-C. GRCh37 (hg19) VCF-style: chrX-154221292-T-C.
Other names: short protein forms T174A.
Identifiers: ClinVar variation 2633604 (VCV002633604.1), dbSNP rs2523977108, ClinGen allele CA414919537.

ClinVar aggregate classification (germline): Likely pathogenic (1 of 4 stars; one submission).

Conditions:
F8-related disorder. Also called: F8-related condition.

Submission:

PreventionGenetics, part of Exact Sciences
Classification: Likely pathogenic for F8-related condition. Last evaluated: 2023-03-21. Review status: criteria provided, single submitter. Criteria: ACMG Guidelines, 2015. Collection method: clinical testing. Allele origin: germline.
Comment: The F8 c.520A>G variant is predicted to result in the amino acid substitution p.Thr174Ala. This variant is also described using legacy nomenclature as p.Thr155Ala, has been reported in multiple individuals with Hemophilia A (Ma et al. 2008. PubMed ID: 18371163; Green et al. 2008. PubMed ID: 18691168). A different missense variant in the same codon (p.Thr174Asn) has been reported in an individual with Hemophilia A (Gouw et al. 2011. PubMed ID: 21070499) suggesting that substitution of amino acid residue p.Thr174 is not tolerated. This variant has not been reported in a large population database, indicating this variant is rare. This variant is interpreted as likely pathogenic.